The following is an entry in ClinVar:

ClinVar aggregate classification (germline): Uncertain significance (1 of 4 stars; one submission).

Conditions:
Werner syndrome (WRN). Identifiers: Orphanet 902, MedGen C0043119, MONDO:0010196, OMIM 277700.

Allele frequency attached by ClinVar (database versions not stated): ExAC 0.00001; gnomAD exomes below 0.00001.

Submission:

Labcorp Genetics (formerly Invitae), Labcorp
Classification: Uncertain significance for Werner syndrome. Last evaluated: 2023-10-17. Review status: criteria provided, single submitter. Criteria: Invitae Variant Classification Sherloc (09022015). Collection method: clinical testing. Allele origin: germline.
Comment: This sequence change replaces methionine, which is neutral and non-polar, with threonine, which is neutral and polar, at codon 1337 of the WRN protein (p.Met1337Thr). This variant is present in population databases (rs779419290, gnomAD 0.003%). This variant has not been reported in the literature in individuals affected with WRN-related conditions. Algorithms developed to predict the effect of missense changes on protein structure and function output the following: SIFT: "Not Available"; PolyPhen-2: "Benign"; Align-GVGD: "Not Available". The threonine amino acid residue is found in multiple mammalian species, which suggests that this missense change does not adversely affect protein function. In summary, the available evidence is currently insufficient to determine the role of this variant in disease. Therefore, it has been classified as a Variant of Uncertain Significance.

NM_000553.6(WRN):c.4010T>C (p.Met1337Thr)

Gene: WRN (WRN RecQ like helicase; plus strand). Cytogenetic location: 8p12.
Variant type: single nucleotide variant.
Coding change: c.4010T>C on transcript NM_000553.6 (MANE Select); coding-DNA position 4010, T replaced by C.
Protein change: p.Met1337Thr; replaces methionine 1337 with threonine.
Molecular consequence: missense variant.
Genome position (GRCh38, 1-based): chr8:31,167,049, T>C. VCF-style: chr8-31167049-T-C. GRCh37 (hg19) VCF-style: chr8-31024565-T-C.
Other names: short protein forms M1337T.
Identifiers: ClinVar variation 2707750 (VCV002707750.3), dbSNP rs779419290, ClinGen allele CA4705240.